The following is an entry in ClinVar:

ClinVar aggregate classification (germline): Pathogenic (1 of 4 stars; one submission).

Conditions:
Cornelia de Lange syndrome 1 (CDLS1). Also called: TYPUS DEGENERATIVUS AMSTELODAMENSIS; Brachmann de Lange syndrome; NIPBL-Related Cornelia de Lange Syndrome. Identifiers: Orphanet 199, MedGen C4551851, MONDO:0007387, OMIM 122470.

Submission:

Labcorp Genetics (formerly Invitae), Labcorp
Classification: Pathogenic for Cornelia de Lange syndrome 1. Last evaluated: 2024-01-11. Review status: criteria provided, single submitter. Criteria: Invitae Variant Classification Sherloc (09022015). Collection method: clinical testing. Allele origin: germline.
Comment: This sequence change creates a premature translational stop signal (p.Arg1590Serfs*8) in the NIPBL gene. It is expected to result in an absent or disrupted protein product. Loss-of-function variants in NIPBL are known to be pathogenic (PMID: 15318302, 19763162, 23505322, 29995837). This variant is not present in population databases (gnomAD no frequency). This variant has not been reported in the literature in individuals affected with NIPBL-related conditions. For these reasons, this variant has been classified as Pathogenic.

Literature cited by the submitters: PubMed 15318302; PubMed 19763162; PubMed 23505322; PubMed 29995837.

NM_133433.4(NIPBL):c.4770_4771del (p.Arg1590fs)

Gene: NIPBL (NIPBL cohesin loading factor; plus strand). Cytogenetic location: 5p13.2.
Variant type: Deletion.
Coding change: c.4770_4771del on transcript NM_133433.4 (MANE Select); coding-DNA positions 4770 to 4771, 2 bases deleted (AC; older notation c.4770_4771delAC).
Protein change: p.Arg1590fs; shifts the reading frame from arginine 1590.
Molecular consequence: frameshift variant.
Genome position (GRCh38, 1-based): chr5:37,016,164-37,016,165, AC deleted. VCF-style (leftmost placement, unchanged base first): chr5-37016163-GAC-G. GRCh37 (hg19) VCF-style: chr5-37016265-GAC-G.
Other names: c.4770_4771del, p.Arg1590fs (NM_015384.5); short protein forms R1590fs.
Identifiers: ClinVar variation 2708858 (VCV002708858.3), dbSNP rs2478269274, ClinGen allele CA2697547123.